The following is an entry in ClinVar:

NM_078480.3(PUF60):c.1459T>C (p.Cys487Arg)

Gene: PUF60 (poly(U) binding splicing factor 60; minus strand). Cytogenetic location: 8q24.3.
Variant type: single nucleotide variant.
Coding change: c.1459T>C on transcript NM_078480.3 (MANE Select); coding-DNA position 1459, T replaced by C.
Protein change: p.Cys487Arg; replaces cysteine 487 with arginine.
Molecular consequence: missense variant.
Genome position (GRCh38, 1-based): chr8:143,816,741, A>G on the plus strand (T>C on the coding strand, the complement: PUF60 is on the minus strand). VCF-style: chr8-143816741-A-G. GRCh37 (hg19) VCF-style: chr8-144898911-A-G.
Other names: c.1330T>C, p.Cys444Arg (NM_001136033.3); c.1405T>C, p.Cys469Arg (NM_001271096.2); c.1321T>C, p.Cys441Arg (NM_001271097.2); c.1456T>C, p.Cys486Arg (NM_001271098.2); c.1372T>C, p.Cys458Arg (NM_001271099.2); c.1279T>C, p.Cys427Arg (NM_001271100.2); c.1570T>C, p.Cys524Arg (NM_001362895.2, NM_001362896.2); c.1519T>C, p.Cys507Arg (NM_001362897.2); and 1 more; short protein forms C427R, C441R, C444R, C458R, C469R, C470R, C486R, C487R.
Identifiers: ClinVar variation 1334132 (VCV001334132.2), dbSNP rs2130205866, ClinGen allele CA372485682.

ClinVar aggregate classification (germline): Likely pathogenic (1 of 4 stars; one submission).

Conditions:
8q24.3 microdeletion syndrome. Also called: CHROMOSOME 8q24.3 DELETION SYNDROME; Verheij syndrome. Identifiers: Orphanet 508488, MedGen C3810023, MONDO:0014263, OMIM 615583.

Submission:

Randwick Genomics Laboratory, Prince of Wales Hospital Sydney, Australia, New South Wales Health Pathology
Classification: Likely pathogenic for 8q24.3 microdeletion syndrome. Review status: criteria provided, single submitter. Criteria: ACMG Guidelines, 2015. Collection method: clinical testing. Allele origin: germline. Affected: yes.
Comment: PS2_mod, PM2, PM1, PP2, PP3

Singleton, AD